The following is an entry in ClinVar:

NM_080732.4(EGLN2):c.401G>A (p.Arg134Gln)

Genes: EGLN2 (egl-9 family hypoxia inducible factor 2; plus strand), RAB4B-EGLN2 (RAB4B-EGLN2 readthrough (NMD candidate); plus strand). Cytogenetic location: 19q13.2.
Variant type: single nucleotide variant.
Coding change: c.401G>A on transcript NM_080732.4 (MANE Select); coding-DNA position 401, G replaced by A.
Protein change: p.Arg134Gln; replaces arginine 134 with glutamine.
Molecular consequence: missense variant. On other transcripts: non-coding transcript variant (1).
Genome position (GRCh38, 1-based): chr19:40,800,973, G>A. VCF-style: chr19-40800973-G-A. GRCh37 (hg19) VCF-style: chr19-41306878-G-A.
Other names: c.401G>A, p.Arg134Gln (NM_053046.4); short protein forms R134Q.
Identifiers: ClinVar variation 1737098 (VCV001737098.2), dbSNP rs1555779251, ClinGen allele CA405955171.

ClinVar aggregate classification (germline): Uncertain significance (1 of 4 stars; one submission).

Allele frequency attached by ClinVar (database versions not stated): gnomAD exomes below 0.00001; TOPMed below 0.00001; gnomAD 0.00001.

Submission:

Ambry Genetics
Classification: Uncertain significance. Last evaluated: 2021-09-13. Review status: criteria provided, single submitter. Criteria: Ambry Variant Classification Scheme 2023. Collection method: clinical testing. Allele origin: germline.
Comment: The p.R134Q variant (also known as c.401G>A), located in coding exon 1 of the EGLN2 gene, results from a G to A substitution at nucleotide position 401. The arginine at codon 134 is replaced by glutamine, an amino acid with highly similar properties. This amino acid position is conserved. In addition, this alteration is predicted to be tolerated by in silico analysis. Since supporting evidence is limited at this time, the clinical significance of this alteration remains unclear.